The following is an entry in ClinVar:

NM_001042492.3(NF1):c.5524C>G (p.His1842Asp)

Gene: NF1 (neurofibromin 1; plus strand). Cytogenetic location: 17q11.2.
Variant type: single nucleotide variant.
Coding change: c.5524C>G on transcript NM_001042492.3 (MANE Select); coding-DNA position 5524, C replaced by G.
Protein change: p.His1842Asp; replaces histidine 1842 with aspartic acid.
Molecular consequence: missense variant.
Genome position (GRCh38, 1-based): chr17:31,327,754, C>G. VCF-style: chr17-31327754-C-G. GRCh37 (hg19) VCF-style: chr17-29654772-C-G.
Other names: c.5461C>G, p.His1821Asp (NM_000267.4); short protein forms H1821D, H1842D.
Identifiers: ClinVar variation 825755 (VCV000825755.5), dbSNP rs1597832336, ClinGen allele CA399009747.

ClinVar aggregate classification (germline): Uncertain significance (1 of 4 stars; one submission).

Conditions:
Hereditary cancer-predisposing syndrome. Also called: Neoplastic Syndromes, Hereditary; Tumor predisposition; Hereditary neoplastic syndrome; Hereditary Cancer Syndrome. Identifiers: Orphanet 140162, MedGen C0027672, MeSH D009386, MONDO:0015356.
Cardiovascular phenotype. Identifiers: MedGen CN230736.

Submission:

Ambry Genetics
Classification: Uncertain significance for Cardiovascular phenotype; Hereditary cancer-predisposing syndrome. Last evaluated: 2024-07-18. Review status: criteria provided, single submitter. Criteria: Ambry Variant Classification Scheme 2023. Collection method: clinical testing. Allele origin: germline.
Comment: The p.H1821D variant (also known as c.5461C>G), located in coding exon 37 of the NF1 gene, results from a C to G substitution at nucleotide position 5461. The histidine at codon 1821 is replaced by aspartic acid, an amino acid with similar properties. This amino acid position is highly conserved in available vertebrate species. In addition, this alteration is predicted to be deleterious by in silico analysis. Since supporting evidence is limited at this time, the clinical significance of this alteration remains unclear.